The following is an entry in ClinVar:

NM_014362.4(HIBCH):c.284G>C (p.Cys95Ser)

Gene: HIBCH (3-hydroxyisobutyryl-CoA hydrolase; minus strand). Cytogenetic location: 2q32.2.
Variant type: single nucleotide variant.
Coding change: c.284G>C on transcript NM_014362.4 (MANE Select); coding-DNA position 284, G replaced by C.
Protein change: p.Cys95Ser; replaces cysteine 95 with serine.
Molecular consequence: missense variant.
Genome position (GRCh38, 1-based): chr2:190,294,566, C>G on the plus strand (G>C on the coding strand, the complement: HIBCH is on the minus strand). VCF-style: chr2-190294566-C-G. GRCh37 (hg19) VCF-style: chr2-191159292-C-G.
Other names: c.284G>C, p.Cys95Ser (NM_198047.3); short protein forms C95S.
Identifiers: ClinVar variation 1501047 (VCV001501047.6), dbSNP rs2105990079, ClinGen allele CA349896238.
Genomic context (GRCh38, chr2:190,294,566, plus strand): 5'-AGGGGGAAAGAGCACTCAGGTGAAAGGGAAAAGTCTTTACCTCTGATATCACCCCCGGCA[C>G]AGAAAGCCTTTCCTCCTGCTCCCTTTATAATGATCAGGAAAGTTTCAGGATCTTGTTCCC-3'
Protein context (NP_055177.2, residues 85-105): IIKGAGGKAF[Cys95Ser]AGGDIRVISE

ClinVar aggregate classification (germline): Uncertain significance (1 of 4 stars; one submission).

Conditions:
3-hydroxyisobutyryl-CoA hydrolase deficiency. Also called: VALINE METABOLIC DEFECT; Reduced circulating 3-hydroxyisobutyryl-CoA hydrolase activity; Deficiency of 3-hydroxyisobutyryl CoA hydrolase; HIBCH DEFICIENCY; METHACRYLIC ACID TOXICITY; METHACRYLIC ACIDURIA. Identifiers: Orphanet 88639, MedGen C0342738, MONDO:0009603, OMIM 250620, HP:6000215.

Submission:

Labcorp Genetics (formerly Invitae), Labcorp
Classification: Uncertain significance for 3-hydroxyisobutyryl-CoA hydrolase deficiency. Last evaluated: 2022-08-10. Review status: criteria provided, single submitter. Criteria: Invitae Variant Classification Sherloc (09022015). Collection method: clinical testing. Allele origin: germline.
Comment: In summary, the available evidence is currently insufficient to determine the role of this variant in disease. Therefore, it has been classified as a Variant of Uncertain Significance. Algorithms developed to predict the effect of missense changes on protein structure and function (SIFT, PolyPhen-2, Align-GVGD) all suggest that this variant is likely to be disruptive. ClinVar contains an entry for this variant (Variation ID: 1501047). This variant has not been reported in the literature in individuals affected with HIBCH-related conditions. This variant is not present in population databases (gnomAD no frequency). This sequence change replaces cysteine, which is neutral and slightly polar, with serine, which is neutral and polar, at codon 95 of the HIBCH protein (p.Cys95Ser).